The following is an entry in ClinVar:

ClinVar aggregate classification (germline): Conflicting classifications of pathogenicity. Review status: criteria provided, conflicting classifications (1 of 4 stars). 4 submissions from 4 submitters: Pathogenic (1); Likely pathogenic (1); Uncertain significance (1). 1 of the submissions does not count toward it. Last evaluated 2025-07-18.

Conditions:
OTOF-related disorder. Also called: OTOF-related condition.
Autosomal recessive nonsyndromic hearing loss 9. Also called: NEUROSENSORY NONSYNDROMIC RECESSIVE DEAFNESS 9; AUDITORY NEUROPATHY, AUTOSOMAL RECESSIVE, 1, TEMPERATURE-SENSITIVE; OTOF-Related Hearing Loss; Deafness, autosomal recessive 9. Identifiers: Orphanet 90636, MedGen C1832828, MONDO:0010986, OMIM 601071.

Allele frequency attached by ClinVar (database versions not stated): gnomAD exomes below 0.00001.
gnomAD v4.1: 4 of 1,603,460 alleles (0.00025%); highest among the groups gnomAD compares: Non-Finnish European, 0.00025%; no homozygotes.

Submissions (4):

Women's Health and Genetics/Laboratory Corporation of America, LabCorp
Classification: Uncertain significance. Last evaluated: 2025-07-18. Review status: criteria provided, single submitter. Criteria: LabCorp Variant Classification Summary - May 2015. Collection method: clinical testing. Allele origin: germline.
Comment: Variant summary: OTOF c.3413T>C (p.Leu1138Pro) results in a non-conservative amino acid change in the encoded protein sequence. Algorithms developed to predict the effect of missense changes on protein structure and function all suggest that this variant is likely to be disruptive. The variant was absent in 241812 control chromosomes. c.3413T>C has been observed in the compound heterozygous state in at least 2 individual(s) affected with Nonsyndromic Hearing Loss And Deafness, Type 9 (Rodriguez-Ballesteros_2008). These data indicate that the variant may be associated with disease. To our knowledge, no experimental evidence demonstrating an impact on protein function has been reported. The following publication has been ascertained in the context of this evaluation (PMID: 18381613). ClinVar contains an entry for this variant (Variation ID: 65799). Based on the evidence outlined above, the variant was classified as VUS-possibly pathogenic.

Labcorp Genetics (formerly Invitae), Labcorp
Classification: Pathogenic. Last evaluated: 2024-11-08. Review status: criteria provided, single submitter. Criteria: Invitae Variant Classification Sherloc (09022015). Collection method: clinical testing. Allele origin: germline.
Comment: This sequence change replaces leucine, which is neutral and non-polar, with proline, which is neutral and non-polar, at codon 1138 of the OTOF protein (p.Leu1138Pro). This variant is not present in population databases (gnomAD no frequency). This missense change has been observed in individual(s) with deafness (PMID: 18381613). In at least one individual the data is consistent with being in trans (on the opposite chromosome) from a pathogenic variant. ClinVar contains an entry for this variant (Variation ID: 65799). Invitae Evidence Modeling of protein sequence and biophysical properties (such as structural, functional, and spatial information, amino acid conservation, physicochemical variation, residue mobility, and thermodynamic stability) indicates that this missense variant is expected to disrupt OTOF protein function with a positive predictive value of 80%. For these reasons, this variant has been classified as Pathogenic.

Blueprint Genetics
Classification: Likely pathogenic for OTOF-related disorders. Last evaluated: 2023-02-21. Review status: criteria provided, single submitter. Criteria: ACMG Guidelines, 2015. Collection method: clinical testing. Allele origin: germline. Affected: yes. Observed: 4 variant alleles.

GeneReviews
No classification provided. Condition: Autosomal recessive nonsyndromic hearing loss 9. Review status: no classification provided. Collection method: literature only. Allele origin: unknown. Not counted in ClinVar's aggregate classification.

Literature cited by the submitters: PubMed 18381613 (cited by 3 submitters); PubMed 20301429 (cited by GeneReviews); NCBI Bookshelf NBK1251 (cited by GeneReviews).

NM_194248.3(OTOF):c.3413T>C (p.Leu1138Pro)

Gene: OTOF (otoferlin; minus strand). Cytogenetic location: 2p23.3.
Variant type: single nucleotide variant.
Coding change: c.3413T>C on transcript NM_194248.3 (MANE Select); coding-DNA position 3413, T replaced by C.
Protein change: p.Leu1138Pro; replaces leucine 1138 with proline.
Molecular consequence: missense variant.
Genome position (GRCh38, 1-based): chr2:26,473,563, A>G on the plus strand (T>C on the coding strand, the complement: OTOF is on the minus strand). VCF-style: chr2-26473563-A-G. GRCh37 (hg19) VCF-style: chr2-26696431-A-G.
Other names: c.3413T>C, p.Leu1138Pro (NM_001287489.2); c.1172T>C, p.Leu391Pro (NM_004802.4, NM_194323.3); c.1343T>C, p.Leu448Pro (NM_194322.3); c.3413T>C (NM_194248.2); short protein forms L1138P, L448P, L391P.
Identifiers: ClinVar variation 65799 (VCV000065799.9), dbSNP rs397515599, ClinGen allele CA345119.
Genomic context (GRCh38, chr2:26,473,563, plus strand): 5'-ACCCGTGGCCGGTCCACCTGGGCCAGGTTCACCCGCTTTAGGTCCCGTAGGCCCCAGAAC[A>G]GCACCTGGGAGAGGTTGGAGGGTGGGTGCAGAGAAGAGAGCCCCTTAGTCAAGGGAGCCA-3'
Protein context (NP_919224.1, residues 1128-1148): PVLSKYRVEV[Leu1138Pro]FWGLRDLKRV